The following is an entry in ClinVar:

NM_017613.4(DONSON):c.178G>C (p.Ala60Pro)

Gene: DONSON (DNA replication fork stabilization factor DONSON; minus strand). Cytogenetic location: 21q22.11.
Variant type: single nucleotide variant.
Coding change: c.178G>C on transcript NM_017613.4 (MANE Select); coding-DNA position 178, G replaced by C.
Protein change: p.Ala60Pro; replaces alanine 60 with proline.
Molecular consequence: missense variant.
Genome position (GRCh38, 1-based): chr21:33,588,464, C>G on the plus strand (G>C on the coding strand, the complement: DONSON is on the minus strand). VCF-style: chr21-33588464-C-G. GRCh37 (hg19) VCF-style: chr21-34960770-C-G.
Other names: short protein forms A60P.
Identifiers: ClinVar variation 2652629 (VCV002652629.24), dbSNP rs1309167225, ClinGen allele CA410144913.

ClinVar aggregate classification (germline): Uncertain significance (1 of 4 stars; one submission).

Allele frequency attached by ClinVar (database versions not stated): gnomAD exomes below 0.00001; gnomAD 0.00002.
gnomAD v4.1: 7 of 1,299,368 alleles (0.00054%); highest among the groups gnomAD compares: Non-Finnish European, 0.00059%; no homozygotes.

Submission:

CeGaT Center for Human Genetics Tuebingen
Classification: Uncertain significance. Last evaluated: 2023-08-01. Review status: criteria provided, single submitter. Criteria: CeGaT Center For Human Genetics Tuebingen Variant Classification Criteria Version 2. Collection method: clinical testing. Allele origin: germline. Affected: yes. Observed: 1 variant allele.
Comment: DONSON: PM2